The following is an entry in ClinVar:

ClinVar aggregate classification (germline): Uncertain significance. Review status: criteria provided, multiple submitters, no conflicts (2 of 4 stars). 2 submissions from 2 submitters: Uncertain significance (2). Last evaluated 2025-02-05.

Submissions (2):

Ambry Genetics
Classification: Uncertain significance. Last evaluated: 2025-02-05. Review status: criteria provided, single submitter. Criteria: Ambry Variant Classification Scheme 2023. Collection method: clinical testing. Allele origin: germline.

Labcorp Genetics (formerly Invitae), Labcorp
Classification: Uncertain significance. Last evaluated: 2024-09-06. Review status: criteria provided, single submitter. Criteria: Invitae Variant Classification Sherloc (09022015). Collection method: clinical testing. Allele origin: germline.
Comment: This sequence change replaces alanine, which is neutral and non-polar, with threonine, which is neutral and polar, at codon 229 of the FGFRL1 protein (p.Ala229Thr). This variant is not present in population databases (gnomAD no frequency). This variant has not been reported in the literature in individuals affected with FGFRL1-related conditions. ClinVar contains an entry for this variant (Variation ID: 1493745). An algorithm developed to predict the effect of missense changes on protein structure and function (PolyPhen-2) suggests that this variant is likely to be tolerated. In summary, the available evidence is currently insufficient to determine the role of this variant in disease. Therefore, it has been classified as a Variant of Uncertain Significance.

NM_001004356.3(FGFRL1):c.685G>A (p.Ala229Thr)

Gene: FGFRL1 (fibroblast growth factor receptor like 1; plus strand). Cytogenetic location: 4p16.3.
Variant type: single nucleotide variant.
Coding change: c.685G>A on transcript NM_001004356.3 (MANE Select); coding-DNA position 685, G replaced by A.
Protein change: p.Ala229Thr; replaces alanine 229 with threonine.
Molecular consequence: missense variant.
Genome position (GRCh38, 1-based): chr4:1,024,068, G>A. VCF-style: chr4-1024068-G-A. GRCh37 (hg19) VCF-style: chr4-1017856-G-A.
Other names: c.685G>A (NM_001004356.2); c.685G>A, p.Ala229Thr (NM_021923.3, NM_001004358.1, NM_001370296.1); short protein forms A229T.
Identifiers: ClinVar variation 1493745 (VCV001493745.8), dbSNP rs1429377807, ClinGen allele CA355931836.
Genomic context (GRCh38, chr4:1,024,068, plus strand): 5'-AAGAACCTGCGGCCGGAGGACAGCGGCAAATACACCTGCCGCGTGTCGAACCGCGCGGGC[G>A]CCATCAACGCCACCTACAAGGTGGATGTGATCCGTGAGTGTGGCCCCGGGCGCTGGCGGG-3'
Protein context (NP_001004356.1, residues 219-239): YTCRVSNRAG[Ala229Thr]INATYKVDVI